The following is an entry in ClinVar:

NM_020778.5(ALPK3):c.2770C>A (p.Pro924Thr)

Gene: ALPK3 (alpha kinase 3; plus strand). Cytogenetic location: 15q25.3.
Variant type: single nucleotide variant.
Coding change: c.2770C>A on transcript NM_020778.5 (MANE Select); coding-DNA position 2770, C replaced by A.
Protein change: p.Pro924Thr; replaces proline 924 with threonine.
Molecular consequence: missense variant.
Genome position (GRCh38, 1-based): chr15:84,857,508, C>A. VCF-style: chr15-84857508-C-A. GRCh37 (hg19) VCF-style: chr15-85400739-C-A.
Other names: short protein forms P924T.
Identifiers: ClinVar variation 4044894 (VCV004044894.1).

ClinVar aggregate classification (germline): Uncertain significance (1 of 4 stars; one submission).

Conditions:
Cardiovascular phenotype. Identifiers: MedGen CN230736.

Submission:

Ambry Genetics
Classification: Uncertain significance for Cardiovascular phenotype. Last evaluated: 2025-05-26. Review status: criteria provided, single submitter. Criteria: Ambry Variant Classification Scheme 2023. Collection method: clinical testing. Allele origin: germline.
Comment: The p.P1126T variant (also known as c.3376C>A), located in coding exon 6 of the ALPK3 gene, results from a C to A substitution at nucleotide position 3376. The proline at codon 1126 is replaced by threonine, an amino acid with highly similar properties. This amino acid position is conserved. In addition, this alteration is predicted to be tolerated by in silico analysis. Based on the available evidence, the clinical significance of this variant remains unclear.